The following is an entry in ClinVar:

ClinVar aggregate classification (germline): Uncertain significance (1 of 4 stars; one submission).

Allele frequency attached by ClinVar (database versions not stated): TOPMed below 0.00001; gnomAD 0.00001; gnomAD exomes 0.00001.
gnomAD v4.1: 5 of 1,543,414 alleles (0.00032%); highest among the groups gnomAD compares: Admixed American, 0.012%; no homozygotes.

Submission:

Ambry Genetics
Classification: Uncertain significance. Last evaluated: 2022-03-29. Review status: criteria provided, single submitter. Criteria: Ambry Variant Classification Scheme 2023. Collection method: clinical testing. Allele origin: germline.
Comment: The c.2880+5T>G intronic alteration consists of a T to G substitution 5 nucleotides after exon 27 of the LARS gene. Based on insufficient or conflicting evidence, the clinical significance of this alteration remains unclear.

NM_020117.11(LARS1):c.2880+5T>G

Gene: LARS1 (leucyl-tRNA synthetase 1; minus strand). Cytogenetic location: 5q32.
Variant type: single nucleotide variant.
Coding change: c.2880+5T>G on transcript NM_020117.11 (MANE Select); 5 bases into the intron after coding-DNA position 2880, T replaced by G.
Molecular consequence: intron variant.
Genome position (GRCh38, 1-based): chr5:146,128,667, A>C on the plus strand (T>G on the coding strand, the complement: LARS1 is on the minus strand). VCF-style: chr5-146128667-A-C. GRCh37 (hg19) VCF-style: chr5-145508230-A-C.
Other names: c.2718+5T>G (NM_001317965.2); c.2799+5T>G (NM_016460.4); c.2742+5T>G (NM_001317964.2).
Identifiers: ClinVar variation 3117900 (VCV003117900.1), dbSNP rs1752143574, ClinGen allele CA1082607069.